The following is an entry in ClinVar:

NM_000426.4(LAMA2):c.5417_5425del (p.Val1806_Lys1809delinsGlu)

Gene: LAMA2 (laminin subunit alpha 2; plus strand). Cytogenetic location: 6q22.33.
Variant type: Deletion.
Coding change: c.5417_5425del on transcript NM_000426.4 (MANE Select); coding-DNA positions 5417 to 5425, 9 bases deleted (TAAATCAGA; older notation c.5417_5425delTAAATCAGA).
Protein change: p.Val1806_Lys1809delinsGlu.
Molecular consequence: inframe indel.
Genome position (GRCh38, 1-based): chr6:129,393,227-129,393,235, TAAATCAGA deleted. VCF-style (leftmost placement, unchanged base first): chr6-129393226-GTAAATCAGA-G. GRCh37 (hg19) VCF-style: chr6-129714371-GTAAATCAGA-G.
Other names: c.5417_5425del, p.Val1806_Lys1809delinsGlu (NM_001079823.2).
Identifiers: ClinVar variation 5003682 (VCV005003682.1).
Genomic context (GRCh38, chr6:129,393,226, plus strand): 5'-GCTTGGGACCTTTTGAGAGAAGCCACAGATAAAATCAGAGAAGCTAATCGCCTATTTGCA[GTAAATCAGA>G]AAAACATGACTGCATTGGAGGTGAGTCTTAGGGGCACTTTTATCTTAATCTCAGAAGGTT-3'

ClinVar aggregate classification (germline): Uncertain significance (1 of 4 stars; one submission).

Conditions:
LAMA2-related muscular dystrophy (LAMA2-RD). Also called: Laminin alpha 2-related dystrophy. Identifiers: MedGen C5679788, MONDO:0100228.

Submission:

Myriad Genetics, Inc.
Classification: Uncertain significance for LAMA2-related muscular dystrophy. Last evaluated: 2025-08-01. Review status: criteria provided, single submitter. Criteria: Myriad Autosomal Dominant, Autosomal Recessive and X-Linked Classification Criteria (2023). Collection method: clinical testing. Allele origin: unknown.
Comment: NM_000426.3(LAMA2):c.5417_5425del9(V1806_K1809delinsE) is an in-frame deletion classified as a variant of uncertain significance in the context of muscular dystrophy, LAMA2-related. V1806_K1809delinsE has not been observed in cases with relevant disease. Relevant functional assessments of this variant are not available in the literature. V1806_K1809delinsE has not been observed in referenced population frequency databases. In summary, there is insufficient evidence to classify NM_000426.3(LAMA2):c.5417_5425del9(V1806_K1809delinsE) as pathogenic or benign. Please note: this variant was assessed in the context of healthy population screening.